The following is an entry in ClinVar:

NM_001040108.2(MLH3):c.1922C>G (p.Thr641Arg)

Gene: MLH3 (mutL homolog 3; minus strand). Cytogenetic location: 14q24.3.
Variant type: single nucleotide variant.
Coding change: c.1922C>G on transcript NM_001040108.2 (MANE Select); coding-DNA position 1922, C replaced by G.
Protein change: p.Thr641Arg; replaces threonine 641 with arginine.
Molecular consequence: missense variant.
Genome position (GRCh38, 1-based): chr14:75,047,734, G>C on the plus strand (C>G on the coding strand, the complement: MLH3 is on the minus strand). VCF-style: chr14-75047734-G-C. GRCh37 (hg19) VCF-style: chr14-75514437-G-C.
Other names: c.1922C>G, p.Thr641Arg (NM_014381.3); short protein forms T641R.
Identifiers: ClinVar variation 1782706 (VCV001782706.2), dbSNP rs2503283107, ClinGen allele CA390443763.

ClinVar aggregate classification (germline): Uncertain significance (1 of 4 stars; one submission).

Submission:

Ambry Genetics
Classification: Uncertain significance. Last evaluated: 2021-11-06. Review status: criteria provided, single submitter. Criteria: Ambry Variant Classification Scheme 2023. Collection method: clinical testing. Allele origin: germline.
Comment: The p.T641R variant (also known as c.1922C>G), located in coding exon 1 of the MLH3 gene, results from a C to G substitution at nucleotide position 1922. The threonine at codon 641 is replaced by arginine, an amino acid with similar properties. This amino acid position is conserved. In addition, this alteration is predicted to be tolerated by in silico analysis. Since supporting evidence is limited at this time, the clinical significance of this alteration remains unclear.